The following is an entry in ClinVar:

ClinVar aggregate classification (germline): Uncertain significance (1 of 4 stars; one submission).

Conditions:
Retinoblastoma (RB1). Also called: RETINOBLASTOMA, SOMATIC. Identifiers: Orphanet 790, MedGen C0035335, MeSH D012175, MONDO:0008380, OMIM 180200, HP:0009919. Disease mechanism: loss of function. Inheritance: Both sporadic and heritable forms are tested..

Submission:

Labcorp Genetics (formerly Invitae), Labcorp
Classification: Uncertain significance for Retinoblastoma. Last evaluated: 2023-04-01. Review status: criteria provided, single submitter. Criteria: Invitae Variant Classification Sherloc (09022015). Collection method: clinical testing. Allele origin: germline.
Comment: This variant has not been reported in the literature in individuals affected with RB1-related conditions. This variant is not present in population databases (gnomAD no frequency). This sequence change replaces leucine, which is neutral and non-polar, with isoleucine, which is neutral and non-polar, at codon 191 of the RB1 protein (p.Leu191Ile). Advanced modeling of protein sequence and biophysical properties (such as structural, functional, and spatial information, amino acid conservation, physicochemical variation, residue mobility, and thermodynamic stability) performed at Invitae indicates that this missense variant is not expected to disrupt RB1 protein function. In summary, the available evidence is currently insufficient to determine the role of this variant in disease. Therefore, it has been classified as a Variant of Uncertain Significance.

NM_000321.3(RB1):c.571C>A (p.Leu191Ile)

Gene: RB1 (RB transcriptional corepressor 1; plus strand). Cytogenetic location: 13q14.2.
Variant type: single nucleotide variant.
Coding change: c.571C>A on transcript NM_000321.3 (MANE Select); coding-DNA position 571, C replaced by A.
Protein change: p.Leu191Ile; replaces leucine 191 with isoleucine.
Molecular consequence: missense variant.
Genome position (GRCh38, 1-based): chr13:48,348,987, C>A. VCF-style: chr13-48348987-C-A. GRCh37 (hg19) VCF-style: chr13-48923123-C-A.
Other names: c.571C>A, p.Leu191Ile (NM_001407165.1, NM_001407166.1); short protein forms L191I.
Identifiers: ClinVar variation 2851344 (VCV002851344.3), dbSNP rs538578527, ClinGen allele CA388156941.